The following is an entry in ClinVar:

NM_012338.4(TSPAN12):c.736T>C (p.Trp246Arg)

Gene: TSPAN12 (tetraspanin 12; minus strand). Cytogenetic location: 7q31.31.
Variant type: single nucleotide variant.
Coding change: c.736T>C on transcript NM_012338.4 (MANE Select); coding-DNA position 736, T replaced by C.
Protein change: p.Trp246Arg; replaces tryptophan 246 with arginine.
Molecular consequence: missense variant.
Genome position (GRCh38, 1-based): chr7:120,788,774, A>G on the plus strand (T>C on the coding strand, the complement: TSPAN12 is on the minus strand). VCF-style: chr7-120788774-A-G. GRCh37 (hg19) VCF-style: chr7-120428828-A-G.
Other names: short protein forms W246R.
Identifiers: ClinVar variation 3652932 (VCV003652932.2).

ClinVar aggregate classification (germline): Uncertain significance (1 of 4 stars; one submission).

Submission:

Labcorp Genetics (formerly Invitae), Labcorp
Classification: Uncertain significance. Last evaluated: 2024-07-12. Review status: criteria provided, single submitter. Criteria: Invitae Variant Classification Sherloc (09022015). Collection method: clinical testing. Allele origin: germline.
Comment: This sequence change replaces tryptophan, which is neutral and slightly polar, with arginine, which is basic and polar, at codon 246 of the TSPAN12 protein (p.Trp246Arg). This variant is not present in population databases (gnomAD no frequency). This variant has not been reported in the literature in individuals affected with TSPAN12-related conditions. Advanced modeling of protein sequence and biophysical properties (such as structural, functional, and spatial information, amino acid conservation, physicochemical variation, residue mobility, and thermodynamic stability) performed at Invitae indicates that this missense variant is not expected to disrupt TSPAN12 protein function with a negative predictive value of 80%. In summary, the available evidence is currently insufficient to determine the role of this variant in disease. Therefore, it has been classified as a Variant of Uncertain Significance.